The following is an entry in ClinVar:

ClinVar aggregate classification (germline): Likely benign (0 of 4 stars; one submission).

Conditions:
PTPRT-related disorder. Also called: PTPRT-related condition.

Allele frequency attached by ClinVar (database versions not stated): ExAC 0.00003; gnomAD exomes 0.00008; TOPMed 0.00015; gnomAD 0.00017.
gnomAD v4.1: 136 of 1,610,414 alleles (0.0084%); highest among the groups gnomAD compares: Admixed American, 0.06%; 1 homozygote.

Submission:

PreventionGenetics, part of Exact Sciences
Classification: Likely benign for PTPRT-related condition. Last evaluated: 2019-05-31. Review status: no assertion criteria provided. Collection method: clinical testing. Allele origin: germline.
Comment: This variant is classified as likely benign based on ACMG/AMP sequence variant interpretation guidelines (Richards et al. 2015 PMID: 25741868, with internal and published modifications).

NM_007050.6(PTPRT):c.2151C>T (p.Ile717=)

Gene: PTPRT (protein tyrosine phosphatase receptor type T; minus strand). Cytogenetic location: 20q12.
Variant type: single nucleotide variant.
Coding change: c.2151C>T on transcript NM_007050.6 (MANE Select); coding-DNA position 2151, C replaced by T.
Protein change: p.Ile717=; no amino-acid change (isoleucine 717 retained).
Molecular consequence: synonymous variant.
Genome position (GRCh38, 1-based): chr20:42,282,514, G>A on the plus strand (C>T on the coding strand, the complement: PTPRT is on the minus strand). VCF-style: chr20-42282514-G-A. GRCh37 (hg19) VCF-style: chr20-40911154-G-A.
Other names: c.2151C>T, p.Ile717= (NM_001394024.1, NM_001394025.1, NM_001394026.1 and 1 more transcripts).
Identifiers: ClinVar variation 3044271 (VCV003044271.2), dbSNP rs202211949, ClinGen allele CA9864370.